The following is an entry in ClinVar:

NM_207361.6(FREM2):c.2801G>A (p.Arg934Gln)

Gene: FREM2 (FRAS1 related extracellular matrix 2; plus strand). Cytogenetic location: 13q13.3.
Variant type: single nucleotide variant.
Coding change: c.2801G>A on transcript NM_207361.6 (MANE Select); coding-DNA position 2801, G replaced by A.
Protein change: p.Arg934Gln; replaces arginine 934 with glutamine.
Molecular consequence: missense variant.
Genome position (GRCh38, 1-based): chr13:38,690,145, G>A. VCF-style: chr13-38690145-G-A. GRCh37 (hg19) VCF-style: chr13-39264282-G-A.
Other names: c.2801G>A (NM_207361.4); short protein forms R934Q.
Identifiers: ClinVar variation 283915 (VCV000283915.9), dbSNP rs145484598, ClinGen allele CA6954676.

ClinVar aggregate classification (germline): Uncertain significance. Review status: criteria provided, multiple submitters, no conflicts (2 of 4 stars). 4 submissions from 4 submitters: Uncertain significance (4). Last evaluated 2025-02-25.

Conditions:
Isolated cryptophthalmia. Also called: Cryptophthalmos, unilateral or bilateral, isolated; ANKYLOBLEPHARON, SIMPLE. Identifiers: Orphanet 91396, MedGen C1852453, MONDO:0007410, OMIM 123570.
Fraser syndrome 2 (FRASRS2). Identifiers: MedGen C4540036, MONDO:0054738, OMIM 617666.

Allele frequency attached by ClinVar (database versions not stated): gnomAD exomes 0.00005 and 0.00006; ExAC 0.00007; ESP Exome Variant Server 0.00008; gnomAD 0.00008 and 0.00009; TOPMed 0.00009.
gnomAD v4.1: 99 of 1,614,094 alleles (0.0061%); highest among the groups gnomAD compares: Middle Eastern, 0.033%; no homozygotes.

Submissions (4):

GeneDx
Classification: Uncertain significance. Last evaluated: 2025-02-25. Review status: criteria provided, single submitter. Criteria: GeneDx Variant Classification Process June 2021. Collection method: clinical testing. Allele origin: germline. Affected: yes.
Comment: In silico analysis indicates that this missense variant does not alter protein structure/function; Has not been previously published as pathogenic or benign to our knowledge

Fulgent Genetics
Classification: Uncertain significance for Isolated cryptophthalmia; Fraser syndrome 2. Last evaluated: 2024-05-15. Review status: criteria provided, single submitter. Criteria: ACMG Guidelines, 2015. Collection method: clinical testing. Allele origin: germline.

Labcorp Genetics (formerly Invitae), Labcorp
Classification: Uncertain significance. Last evaluated: 2022-07-23. Review status: criteria provided, single submitter. Criteria: Invitae Variant Classification Sherloc (09022015). Collection method: clinical testing. Allele origin: germline.
Comment: This sequence change replaces arginine, which is basic and polar, with glutamine, which is neutral and polar, at codon 934 of the FREM2 protein (p.Arg934Gln). This variant is present in population databases (rs145484598, gnomAD 0.02%). This variant has not been reported in the literature in individuals affected with FREM2-related conditions. ClinVar contains an entry for this variant (Variation ID: 283915). Algorithms developed to predict the effect of missense changes on protein structure and function output the following: SIFT: "Tolerated"; PolyPhen-2: "Benign"; Align-GVGD: "Class C0". The glutamine amino acid residue is found in multiple mammalian species, which suggests that this missense change does not adversely affect protein function. In summary, the available evidence is currently insufficient to determine the role of this variant in disease. Therefore, it has been classified as a Variant of Uncertain Significance.

Eurofins Ntd Llc (ga)
Classification: Uncertain significance. Last evaluated: 2015-10-20. Review status: criteria provided, single submitter. Criteria: EGL Classification Definitions 2015. Collection method: clinical testing. Allele origin: germline. Observed: 1 variant allele, 1 heterozygote.